The following is an entry in ClinVar:

ClinVar aggregate classification (germline): Pathogenic. Review status: criteria provided, multiple submitters, no conflicts (2 of 4 stars). 2 submissions from 2 submitters: Pathogenic (2). Last evaluated 2025-03-04.

Conditions:
Hereditary cancer-predisposing syndrome. Also called: Hereditary neoplastic syndrome; Tumor predisposition; Neoplastic Syndromes, Hereditary; Hereditary Cancer Syndrome. Identifiers: Orphanet 140162, MedGen C0027672, MeSH D009386, MONDO:0015356.

Submissions (2):

Center for Genomic Medicine, Rigshospitalet, Copenhagen University Hospital
Classification: Pathogenic. Last evaluated: 2025-03-04. Review status: criteria provided, single submitter. Criteria: ACMG Guidelines, 2015. Collection method: clinical testing. Allele origin: germline.

Color Diagnostics, LLC DBA Color Health
Classification: Pathogenic for Hereditary cancer-predisposing syndrome. Last evaluated: 2022-05-31. Review status: criteria provided, single submitter. Criteria: ACMG Guidelines, 2015. Collection method: clinical testing. Allele origin: germline.
Comment: This variant changes 1 nucleotide in exon 3 of the APC gene, creating a premature translation stop signal. This variant is expected to result in an absent or non-functional protein product. To our knowledge, this variant has not been reported in individuals affected with hereditary cancer in the literature. This variant has not been identified in the general population by the Genome Aggregation Database (gnomAD). Loss of APC function is a known mechanism of disease. Based on the available evidence, this variant is classified as Pathogenic.

NM_000038.6(APC):c.203T>A (p.Leu68Ter)

Gene: APC (APC regulator of Wnt signaling pathway; plus strand). Cytogenetic location: 5q22.2.
Variant type: single nucleotide variant.
Coding change: c.203T>A on transcript NM_000038.6 (MANE Select); coding-DNA position 203, T replaced by A.
Protein change: p.Leu68Ter; replaces leucine 68 with a stop codon.
Molecular consequence: nonsense. On other transcripts: 5 prime UTR variant (1).
Genome position (GRCh38, 1-based): chr5:112,766,393, T>A. VCF-style: chr5-112766393-T-A. GRCh37 (hg19) VCF-style: chr5-112102090-T-A.
Other names: c.203T>A, p.Leu68Ter (NM_001127510.3, NM_001354895.2, NM_001354896.2 and 2 more transcripts); c.233T>A, p.Leu78Ter (NM_001127511.3, NM_001354897.2, NM_001354902.2); c.128T>A, p.Leu43Ter (NM_001354898.2, NM_001354904.2); c.26T>A, p.Leu9Ter (NM_001354900.2, NM_001354901.2, NM_001354905.2); c.-833T>A (NM_001354906.2); short protein forms L43*, L68*, L78*, L9*.
Identifiers: ClinVar variation 1697512 (VCV001697512.9), dbSNP rs1554069549, ClinGen allele CA16021786.